The following is an entry in ClinVar:

NM_015346.4(ZFYVE26):c.3044T>C (p.Leu1015Pro)

Gene: ZFYVE26 (zinc finger FYVE-type containing 26; minus strand). Cytogenetic location: 14q24.1.
Variant type: single nucleotide variant.
Coding change: c.3044T>C on transcript NM_015346.4 (MANE Select); coding-DNA position 3044, T replaced by C.
Protein change: p.Leu1015Pro; replaces leucine 1015 with proline.
Molecular consequence: missense variant.
Genome position (GRCh38, 1-based): chr14:67,786,209, A>G on the plus strand (T>C on the coding strand, the complement: ZFYVE26 is on the minus strand). VCF-style: chr14-67786209-A-G. GRCh37 (hg19) VCF-style: chr14-68252926-A-G.
Other names: short protein forms L1015P.
Identifiers: ClinVar variation 219550 (VCV000219550.6), dbSNP rs864622152, ClinGen allele CA348090.

ClinVar aggregate classification (germline): Uncertain significance (1 of 4 stars; one submission).

Conditions:
Spastic paraplegia. Identifiers: MedGen C0037772, HP:0001258.

Submission:

Labcorp Genetics (formerly Invitae), Labcorp
Classification: Uncertain significance for Spastic paraplegia. Last evaluated: 2021-08-30. Review status: criteria provided, single submitter. Criteria: Invitae Variant Classification Sherloc (09022015). Collection method: clinical testing. Allele origin: germline.
Comment: This sequence change replaces leucine with proline at codon 1015 of the ZFYVE26 protein (p.Leu1015Pro). The leucine residue is moderately conserved and there is a moderate physicochemical difference between leucine and proline. This variant is not present in population databases (ExAC no frequency). This variant has not been reported in the literature in individuals affected with ZFYVE26-related conditions. ClinVar contains an entry for this variant (Variation ID: 219550). Algorithms developed to predict the effect of missense changes on protein structure and function (SIFT, PolyPhen-2, Align-GVGD) all suggest that this variant is likely to be tolerated. In summary, the available evidence is currently insufficient to determine the role of this variant in disease. Therefore, it has been classified as a Variant of Uncertain Significance.